The following is an entry in ClinVar:

ClinVar aggregate classification (germline): Uncertain significance. Review status: criteria provided, multiple submitters, no conflicts (2 of 4 stars). 2 submissions from 2 submitters: Uncertain significance (2). Last evaluated 2025-06-19.

Conditions:
Inborn genetic diseases. Identifiers: MedGen C0950123, MeSH D030342.
Werner syndrome (WRN). Identifiers: Orphanet 902, MedGen C0043119, MONDO:0010196, OMIM 277700.

Allele frequency attached by ClinVar (database versions not stated): gnomAD exomes below 0.00001; ExAC 0.00001; TOPMed 0.00001.

Submissions (2):

Ambry Genetics
Classification: Uncertain significance for Inborn genetic diseases. Last evaluated: 2025-06-19. Review status: criteria provided, single submitter. Criteria: Ambry Variant Classification Scheme 2023. Collection method: clinical testing. Allele origin: germline.

Labcorp Genetics (formerly Invitae), Labcorp
Classification: Uncertain significance for Werner syndrome. Last evaluated: 2025-04-22. Review status: criteria provided, single submitter. Criteria: Invitae Variant Classification Sherloc (09022015). Collection method: clinical testing. Allele origin: germline.
Comment: This sequence change replaces methionine, which is neutral and non-polar, with lysine, which is basic and polar, at codon 473 of the WRN protein (p.Met473Lys). This variant is present in population databases (rs760571785, gnomAD 0.006%). This variant has not been reported in the literature in individuals affected with WRN-related conditions. ClinVar contains an entry for this variant (Variation ID: 579444). An algorithm developed to predict the effect of missense changes on protein structure and function (PolyPhen-2) suggests that this variant is likely to be tolerated. In summary, the available evidence is currently insufficient to determine the role of this variant in disease. Therefore, it has been classified as a Variant of Uncertain Significance.

NM_000553.6(WRN):c.1418T>A (p.Met473Lys)

Gene: WRN (WRN RecQ like helicase; plus strand). Cytogenetic location: 8p12.
Variant type: single nucleotide variant.
Coding change: c.1418T>A on transcript NM_000553.6 (MANE Select); coding-DNA position 1418, T replaced by A.
Protein change: p.Met473Lys; replaces methionine 473 with lysine.
Molecular consequence: missense variant.
Genome position (GRCh38, 1-based): chr8:31,085,233, T>A. VCF-style: chr8-31085233-T-A. GRCh37 (hg19) VCF-style: chr8-30942749-T-A.
Other names: short protein forms M473K.
Identifiers: ClinVar variation 579444 (VCV000579444.6), dbSNP rs760571785, ClinGen allele CA4704352.